The following is an entry in ClinVar:

ClinVar aggregate classification (germline): Benign/Likely benign. Review status: criteria provided, multiple submitters, no conflicts (2 of 4 stars). 4 submissions from 3 submitters: Benign (3); Likely benign (1). Last evaluated 2025-12-13.

Conditions:
Developmental and epileptic encephalopathy, 14 (DEE14). Also called: Early infantile epileptic encephalopathy 14. Identifiers: Orphanet 293181, MedGen C3554195, MONDO:0013989, OMIM 614959.
Autosomal dominant nocturnal frontal lobe epilepsy 5. Also called: CILIARY DYSKINESIA, PRIMARY, 28, WITH SITUS INVERSUS; Epilepsy, nocturnal frontal lobe, 5; CILIARY DYSKINESIA, PRIMARY, 28, WITHOUT SITUS INVERSUS; KCNT1-Related Epilepsy. Identifiers: Orphanet 98784, MedGen C3554306, MONDO:0014002, OMIM 615005.

Submissions (4):

Labcorp Genetics (formerly Invitae), Labcorp
Classification: Benign for Autosomal dominant nocturnal frontal lobe epilepsy 5; Developmental and epileptic encephalopathy, 14. Last evaluated: 2025-12-13. Review status: criteria provided, single submitter. Criteria: Invitae Variant Classification Sherloc (09022015). Collection method: clinical testing. Allele origin: germline.

GeneDx
Classification: Likely benign. Last evaluated: 2023-10-10. Review status: criteria provided, single submitter. Criteria: GeneDx Variant Classification Process June 2021. Collection method: clinical testing. Allele origin: germline. Affected: yes.
Comment: See Variant Classification Assertion Criteria.

Genome-Nilou Lab
Classification: Benign for Developmental and epileptic encephalopathy, 14. Last evaluated: 2022-03-15. Review status: criteria provided, single submitter. Criteria: ACMG Guidelines, 2015. Collection method: clinical testing. Allele origin: germline. Affected: no.

Genome-Nilou Lab
Classification: Benign for Autosomal dominant nocturnal frontal lobe epilepsy 5. Last evaluated: 2022-03-15. Review status: criteria provided, single submitter. Criteria: ACMG Guidelines, 2015. Collection method: clinical testing. Allele origin: germline. Affected: no.

NM_020822.3(KCNT1):c.1620-10_1620-5dup

Gene: KCNT1 (potassium sodium-activated channel subfamily T member 1; plus strand). Cytogenetic location: 9q34.3.
Variant type: Duplication.
Coding change: c.1620-10_1620-5dup on transcript NM_020822.3 (MANE Select); 10 bases into the intron before coding-DNA position 1620 through 5 bases into the intron before coding-DNA position 1620, 6 bases duplicated (TGGCCC; older notation c.1620-10_1620-5dupTGGCCC).
Molecular consequence: intron variant.
Genome position (GRCh38, 1-based): chr9:135,770,288-135,770,293, TGGCCC duplicated; duplicating any 6 consecutive bases within chr9:135,770,284-135,770,293 gives the same sequence; the c. name uses the placement nearest the transcript's 3' end. VCF-style (leftmost placement, unchanged base first): chr9-135770283-C-CGCCCTG. GRCh37 (hg19) VCF-style: chr9-138662129-C-CGCCCTG.
Other names: c.1485-10_1485-5dup (NM_001272003.2); c.1620-10_1620-5dupTGGCCC (NM_020822.2).
Identifiers: ClinVar variation 420736 (VCV000420736.11), dbSNP rs754045989, ClinGen allele CA5327005.